The following is an entry in ClinVar:

ClinVar aggregate classification (germline): Uncertain significance (1 of 4 stars; one submission).

Submission:

GeneDx
Classification: Uncertain significance. Last evaluated: 2026-04-06. Review status: criteria provided, single submitter. Criteria: GeneDx Variant Classification Process June 2021. Collection method: clinical testing. Allele origin: germline.
Comment: Not observed at significant frequency in large population cohorts (gnomAD); In silico analysis suggests that this missense variant does not alter protein structure/function; Has not been previously published as pathogenic or benign to our knowledge

NM_006885.4(ZFHX3):c.7877C>A (p.Pro2626His)

Genes: ZFHX3 (zinc finger homeobox 3; minus strand), ZFHX3-AS1 (ZFHX3 antisense RNA 1; plus strand). Cytogenetic location: 16q22.2.
Variant type: single nucleotide variant.
Coding change: c.7877C>A on transcript NM_006885.4 (MANE Select); coding-DNA position 7877, C replaced by A.
Protein change: p.Pro2626His; replaces proline 2626 with histidine.
Molecular consequence: missense variant.
Genome position (GRCh38, 1-based): chr16:72,794,805, G>T on the plus strand (C>A on the coding strand, the complement: ZFHX3 is on the minus strand). VCF-style: chr16-72794805-G-T. GRCh37 (hg19) VCF-style: chr16-72828704-G-T.
Other names: c.5135C>A, p.Pro1712His (NM_001164766.2); c.7877C>A, p.Pro2626His (NM_001386735.1); short protein forms P1712H, P2626H.
Identifiers: ClinVar variation 5018143 (VCV005018143.1).